The following is an entry in ClinVar:

ClinVar aggregate classification (germline): Uncertain significance (1 of 4 stars; one submission).

Conditions:
Lipoic acid synthetase deficiency. Also called: HYPERGLYCINEMIA, LACTIC ACIDOSIS, AND SEIZURES. Identifiers: Orphanet 401859, MedGen C3280887, MONDO:0013762, OMIM 614462.

Submission:

Labcorp Genetics (formerly Invitae), Labcorp
Classification: Uncertain significance for Lipoic acid synthetase deficiency. Last evaluated: 2022-07-11. Review status: criteria provided, single submitter. Criteria: Invitae Variant Classification Sherloc (09022015). Collection method: clinical testing. Allele origin: germline.
Comment: This variant is not present in population databases (gnomAD no frequency). In summary, the available evidence is currently insufficient to determine the role of this variant in disease. Therefore, it has been classified as a Variant of Uncertain Significance. Algorithms developed to predict the effect of missense changes on protein structure and function (SIFT, PolyPhen-2, Align-GVGD) all suggest that this variant is likely to be tolerated. This variant has not been reported in the literature in individuals affected with LIAS-related conditions. This sequence change replaces threonine, which is neutral and polar, with serine, which is neutral and polar, at codon 96 of the LIAS protein (p.Thr96Ser).

NM_006859.4(LIAS):c.287C>G (p.Thr96Ser)

Gene: LIAS (lipoic acid synthetase; plus strand). Cytogenetic location: 4p14.
Variant type: single nucleotide variant.
Coding change: c.287C>G on transcript NM_006859.4 (MANE Select); coding-DNA position 287, C replaced by G.
Protein change: p.Thr96Ser; replaces threonine 96 with serine.
Molecular consequence: missense variant. On other transcripts: intron variant (2).
Genome position (GRCh38, 1-based): chr4:39,462,264, C>G. VCF-style: chr4-39462264-C-G. GRCh37 (hg19) VCF-style: chr4-39463884-C-G.
Other names: c.287C>G, p.Thr96Ser (NM_001278590.2, NM_001278591.2, NM_194451.3); c.219-1261C>G (NM_001363700.2, NM_001278592.2); short protein forms T96S.
Identifiers: ClinVar variation 2015997 (VCV002015997.4), dbSNP rs778102429, ClinGen allele CA356664084.